The following is an entry in ClinVar:

NM_000044.6(AR):c.1933G>T (p.Glu645Ter)

Gene: AR (androgen receptor; plus strand). Cytogenetic location: Xq12.
Variant type: single nucleotide variant.
Coding change: c.1933G>T on transcript NM_000044.6 (MANE Select); coding-DNA position 1933, G replaced by T.
Protein change: p.Glu645Ter; replaces glutamic acid 645 with a stop codon.
Molecular consequence: nonsense.
Genome position (GRCh38, 1-based): chrX:67,711,449, G>T. VCF-style: chrX-67711449-G-T. GRCh37 (hg19) VCF-style: chrX-66931291-G-T.
Other names: c.337G>T, p.Glu113Ter (NM_001011645.3); short protein forms E113*, E645*.
Identifiers: ClinVar variation 1705712 (VCV001705712.1), dbSNP rs2147524252, ClinGen allele CA413423050.

ClinVar aggregate classification (germline): Likely pathogenic (1 of 4 stars; one submission).

Conditions:
Androgen resistance syndrome (AIS). Also called: Androgen insensitivity syndrome due to coactivator deficiency; Androgen insensitivity; ANDROGEN RECEPTOR DEFICIENCY; DIHYDROTESTOSTERONE RECEPTOR DEFICIENCY; DHTR DEFICIENCY; TESTICULAR FEMINIZATION SYNDROME. Identifiers: Orphanet 754, Orphanet 99429, MedGen C0039585, MONDO:0019154, OMIM 300068. Disease mechanism: loss of function.

Submission:

3billion
Classification: Likely pathogenic for Androgen resistance syndrome. Last evaluated: 2022-09-01. Review status: criteria provided, single submitter. Criteria: ACMG Guidelines, 2015. Collection method: clinical testing. Allele origin: germline. Affected: yes. Observed: 1 heterozygote.
Comment: The variant is not observed in the gnomAD v2.1.1 dataset. Stop-gained (nonsense) is predicted to result in a loss or disruption of normal protein function through nonsense-mediated decay (NMD) or protein truncation. Multiple pathogenic variants are reported downstream of the variant. This variant is classified as Likely pathogenic according to the recommendation of ACMG/AMP guideline.